The following is an entry in ClinVar:

ClinVar aggregate classification (germline): Uncertain significance (1 of 4 stars; one submission).

Conditions:
FHOD3-related disorder. Also called: FHOD3-related condition.

Submission:

PreventionGenetics, part of Exact Sciences
Classification: Uncertain significance for FHOD3-related condition. Last evaluated: 2026-02-04. Review status: criteria provided, single submitter. Criteria: ACMG Guidelines, 2015. Collection method: clinical testing. Allele origin: germline.
Comment: The FHOD3 c.3112C>T variant is predicted to result in the amino acid substitution p.Pro1038Ser. To our knowledge, this variant has not been reported in the literature. This variant is reported in 1 allele out of 1574152 alleles in gnomAD. At this time, the clinical significance of this variant is uncertain due to the absence of conclusive functional and genetic evidence.

NM_001281740.3(FHOD3):c.3112C>T (p.Pro1038Ser)

Gene: FHOD3 (formin homology 2 domain containing 3; plus strand). Cytogenetic location: 18q12.2.
Variant type: single nucleotide variant.
Coding change: c.3112C>T on transcript NM_001281740.3 (MANE Select); coding-DNA position 3112, C replaced by T.
Protein change: p.Pro1038Ser; replaces proline 1038 with serine.
Molecular consequence: missense variant.
Genome position (GRCh38, 1-based): chr18:36,718,410, C>T. VCF-style: chr18-36718410-C-T. GRCh37 (hg19) VCF-style: chr18-34298373-C-T.
Other names: c.2536C>T, p.Pro846Ser (NM_001281739.3); c.2587C>T, p.Pro863Ser (NM_025135.5); short protein forms P1038S, P846S, P863S.
Identifiers: ClinVar variation 4982257 (VCV004982257.1).